The following is an entry in ClinVar:

ClinVar aggregate classification (germline): Uncertain significance. Review status: criteria provided, multiple submitters, no conflicts (2 of 4 stars). 2 submissions from 2 submitters: Uncertain significance (2). Last evaluated 2026-04-26.

Conditions:
Familial cold autoinflammatory syndrome 3 (FCAS3). Also called: ANTIBODY DEFICIENCY AND IMMUNE DYSREGULATION, PLCG2-ASSOCIATED; FAMILIAL ATYPICAL COLD URTICARIA. Identifiers: Orphanet 300359, MedGen C3280914, MONDO:0013766, OMIM 614468.

Allele frequency attached by ClinVar (database versions not stated): ExAC 0.00002; TOPMed 0.00006; gnomAD 0.00007 and 0.00008.
gnomAD v4.1: 141 of 1,613,412 alleles (0.0087%); highest among the groups gnomAD compares: Non-Finnish European, 0.011%; no homozygotes.

Submissions (2):

GeneDx
Classification: Uncertain significance. Last evaluated: 2026-04-26. Review status: criteria provided, single submitter. Criteria: GeneDx Variant Classification Process June 2021. Collection method: clinical testing. Allele origin: germline.
Comment: Identified in a patient with recurrent sinopulmonary infections and immune dysregulation in published literature (PMID: 37769878); In silico analysis suggests that this missense variant does not alter protein structure/function, but splice predictors indicate that the variant may lead to a deleterious effect on splicing; This variant is associated with the following publications: (PMID: 37769878)

Labcorp Genetics (formerly Invitae), Labcorp
Classification: Uncertain significance for Familial cold autoinflammatory syndrome 3. Last evaluated: 2026-01-20. Review status: criteria provided, single submitter. Criteria: Invitae Variant Classification Sherloc (09022015). Collection method: clinical testing. Allele origin: germline.
Comment: This sequence change replaces glutamic acid, which is acidic and polar, with glutamine, which is neutral and polar, at codon 1191 of the PLCG2 protein (p.Glu1191Gln). This variant is present in population databases (rs746134531, gnomAD 0.008%). This missense change has been observed in individual(s) with immune dysregulation (PMID: 37769878). ClinVar contains an entry for this variant (Variation ID: 941601). An algorithm developed to predict the effect of missense changes on protein structure and function (PolyPhen-2) suggests that this variant is likely to be tolerated. Experimental studies are conflicting or provide insufficient evidence to determine the effect of this variant on PLCG2 function (PMID: 37769878). Algorithms developed to predict the effect of sequence changes on RNA splicing suggest that this variant may create or strengthen a splice site. In summary, the available evidence is currently insufficient to determine the role of this variant in disease. Therefore, it has been classified as a Variant of Uncertain Significance.

Literature cited by the submitters: PubMed 37769878 (cited by Labcorp Genetics (formerly Invitae), Labcorp).

NM_002661.5(PLCG2):c.3571G>C (p.Glu1191Gln)

Gene: PLCG2 (phospholipase C gamma 2; plus strand). Cytogenetic location: 16q23.3.
Variant type: single nucleotide variant.
Coding change: c.3571G>C on transcript NM_002661.5 (MANE Select); coding-DNA position 3571, G replaced by C.
Protein change: p.Glu1191Gln; replaces glutamic acid 1191 with glutamine.
Molecular consequence: missense variant.
Genome position (GRCh38, 1-based): chr16:81,956,695, G>C. VCF-style: chr16-81956695-G-C. GRCh37 (hg19) VCF-style: chr16-81990300-G-C.
Other names: short protein forms E1191Q.
Identifiers: ClinVar variation 941601 (VCV000941601.8), dbSNP rs746134531, ClinGen allele CA8194779.
Genomic context (GRCh38, chr16:81,956,695, plus strand): 5'-CACATTTTGGTTTGGAAGGTGTAGTCACCACATGGTTGTTCTCTCCCCTGCATCCTCCAG[G>C]AGAGCGAAGAGGAACTTTACTCCTCCTGTCGCCAGCTGAGGAGGCGGCAAGAAGAACTGA-3'
Protein context (NP_002652.2, residues 1181-1201): LVFCEMRPVL[Glu1191Gln]SEEELYSSCR